The following is an entry in ClinVar:

GRCh37/hg19 7q11.21(chr7:66582870-66760808)x3

Gene: TYW1 (tRNA-yW synthesizing protein 1 homolog; plus strand). Cytogenetic location: 7q11.21.
Variant type: copy number gain.
Change: copy number 3 (three copies instead of two) of chr7:66,582,870-66,760,808 (177.9 kb, GRCh37 coordinates, 1-based), cytogenetic band 7q11.21.
Identifiers: ClinVar variation 394934 (VCV000394934.3).

ClinVar aggregate classification (germline): conflicting data from submitters (0 of 4 stars; one submission).

Submission:

ISCA Site 6
Classification: conflicting data from submitters. Review status: no assertion criteria provided. Collection method: clinical testing. Allele origin: unknown. Affected: yes. Observed: 2 variant alleles.
Comment: Uncertain significance(1), Likely benign (1)

Copy number variation identified through the course of routine clinical cytogenomic testing in postnatal populations, with clinical assertions as classified by the original submitter. For data from the original published study, Kaminsky, et al. 2011 (PubMed 21844811), please see nstd101.